The following is an entry in ClinVar:

ClinVar aggregate classification (germline): Uncertain significance (1 of 4 stars; one submission).

Conditions:
Wilson disease (WND). Also called: Wilson's disease. Identifiers: Orphanet 905, MedGen C0019202, MONDO:0010200, OMIM 277900. Disease mechanism: loss of function.

Submission:

All of Us Research Program, National Institutes of Health
Classification: Uncertain significance for Wilson disease. Last evaluated: 2024-08-13. Review status: criteria provided, single submitter. Criteria: ACMG Guidelines, 2015. Collection method: clinical testing. Allele origin: germline. Inheritance: Autosomal recessive inheritance. Observed: 1 variant allele, 1 heterozygote.
Comment: This missense variant replaces proline with leucine at codon 435 of the ATP7B protein. Computational prediction suggests that this variant may not impact protein structure and function (internally defined REVEL score threshold <= 0.5, PMID: 27666373). To our knowledge, functional studies have not been reported for this variant. This variant has not been reported in individuals affected with ATP7B-related disorders in the literature. This variant has not been identified in the general population by the Genome Aggregation Database (gnomAD). The available evidence is insufficient to determine the role of this variant in disease conclusively. Therefore, this variant is classified as a Variant of Uncertain Significance.

This study involves interpretation of variants in research participants for the purpose of population health screening. Participant phenotype was not available at the time of variant classification. Additional details can be found in publication PMID: 35346344, PMCID: PMC8962531

NM_000053.4(ATP7B):c.1304C>T (p.Pro435Leu)

Gene: ATP7B (ATPase copper transporting beta; minus strand). Cytogenetic location: 13q14.3.
Variant type: single nucleotide variant.
Coding change: c.1304C>T on transcript NM_000053.4 (MANE Select); coding-DNA position 1304, C replaced by T.
Protein change: p.Pro435Leu; replaces proline 435 with leucine.
Molecular consequence: missense variant. On other transcripts: intron variant (1).
Genome position (GRCh38, 1-based): chr13:51,970,731, G>A on the plus strand (C>T on the coding strand, the complement: ATP7B is on the minus strand). VCF-style: chr13-51970731-G-A. GRCh37 (hg19) VCF-style: chr13-52544867-G-A.
Other names: c.1304C>T, p.Pro435Leu (NM_001406515.1, NM_001406516.1, NM_001406519.1 and 28 more transcripts); c.1208C>T, p.Pro403Leu (NM_001406517.1, NM_001406518.1, NM_001406536.1 and 3 more transcripts); c.875C>T, p.Pro292Leu (NM_001406539.1); c.971C>T, p.Pro324Leu (NM_001243182.2); c.1285+3204C>T (NM_001406548.1); short protein forms P292L, P324L, P403L, P435L.
Identifiers: ClinVar variation 3385669 (VCV003385669.1).